The following is an entry in ClinVar:

ClinVar aggregate classification (germline): Uncertain significance (1 of 4 stars; one submission).

Submission:

Labcorp Genetics (formerly Invitae), Labcorp
Classification: Uncertain significance. Last evaluated: 2024-03-12. Review status: criteria provided, single submitter. Criteria: Invitae Variant Classification Sherloc (09022015). Collection method: clinical testing. Allele origin: germline.
Comment: This sequence change replaces arginine, which is basic and polar, with glycine, which is neutral and non-polar, at codon 252 of the ANKZF1 protein (p.Arg252Gly). This variant is not present in population databases (gnomAD no frequency). This variant has not been reported in the literature in individuals affected with ANKZF1-related conditions. An algorithm developed to predict the effect of missense changes on protein structure and function (PolyPhen-2) suggests that this variant is likely to be tolerated. In summary, the available evidence is currently insufficient to determine the role of this variant in disease. Therefore, it has been classified as a Variant of Uncertain Significance.

NM_018089.3(ANKZF1):c.754C>G (p.Arg252Gly)

Gene: ANKZF1 (ankyrin repeat and zinc finger peptidyl tRNA hydrolase 1; plus strand). Cytogenetic location: 2q35.
Variant type: single nucleotide variant.
Coding change: c.754C>G on transcript NM_018089.3 (MANE Select); coding-DNA position 754, C replaced by G.
Protein change: p.Arg252Gly; replaces arginine 252 with glycine.
Molecular consequence: missense variant.
Genome position (GRCh38, 1-based): chr2:219,233,368, C>G. VCF-style: chr2-219233368-C-G. GRCh37 (hg19) VCF-style: chr2-220098090-C-G.
Other names: c.754C>G, p.Arg252Gly (NM_001042410.2); c.124C>G, p.Arg42Gly (NM_001282792.2); short protein forms R42G, R252G.
Identifiers: ClinVar variation 3680941 (VCV003680941.2).
Genomic context (GRCh38, chr2:219,233,368, plus strand): 5'-ACTTTTCACCGCTATACGGTTCGGGCCAAGCGGGGCACAGCCCAGGGGCTTCGGGATGCC[C>G]GAGGTGGGCCATCACACTCTGCTGGAGCCAACCTGAGGCGCTACAATGAAGCCACACTAT-3'
Protein context (NP_060559.2, residues 242-262): RGTAQGLRDA[Arg252Gly]GGPSHSAGAN